The following is an entry in ClinVar:

NM_015135.3(NUP205):c.3701G>A (p.Arg1234Lys)

Gene: NUP205 (nucleoporin 205; plus strand). Cytogenetic location: 7q33.
Variant type: single nucleotide variant.
Coding change: c.3701G>A on transcript NM_015135.3 (MANE Select); coding-DNA position 3701, G replaced by A.
Protein change: p.Arg1234Lys; replaces arginine 1234 with lysine.
Molecular consequence: missense variant.
Genome position (GRCh38, 1-based): chr7:135,617,612, G>A. VCF-style: chr7-135617612-G-A. GRCh37 (hg19) VCF-style: chr7-135302360-G-A.
Other names: c.2627G>A, p.Arg876Lys (NM_001329434.2); short protein forms R1234K, R876K.
Identifiers: ClinVar variation 2146066 (VCV002146066.4), dbSNP rs1794388503, ClinGen allele CA369350920.

ClinVar aggregate classification (germline): Uncertain significance (1 of 4 stars; one submission).

Allele frequency attached by ClinVar (database versions not stated): gnomAD exomes below 0.00001; TOPMed 0.00002.
gnomAD v4.1: 6 of 1,611,956 alleles (0.00037%); highest among the groups gnomAD compares: African/African-American, 0.0013%; no homozygotes.

Submission:

Labcorp Genetics (formerly Invitae), Labcorp
Classification: Uncertain significance. Last evaluated: 2022-06-12. Review status: criteria provided, single submitter. Criteria: Invitae Variant Classification Sherloc (09022015). Collection method: clinical testing. Allele origin: germline.
Comment: Algorithms developed to predict the effect of sequence changes on RNA splicing suggest that this variant may disrupt the consensus splice site. Algorithms developed to predict the effect of missense changes on protein structure and function (SIFT, PolyPhen-2, Align-GVGD) all suggest that this variant is likely to be tolerated. This variant has not been reported in the literature in individuals affected with NUP205-related conditions. This variant is not present in population databases (gnomAD no frequency). This sequence change replaces arginine, which is basic and polar, with lysine, which is basic and polar, at codon 1234 of the NUP205 protein (p.Arg1234Lys). In summary, the available evidence is currently insufficient to determine the role of this variant in disease. Therefore, it has been classified as a Variant of Uncertain Significance.